The following is an entry in ClinVar:

NM_001164508.2(NEB):c.20327A>G (p.Gln6776Arg)

Gene: NEB (nebulin; minus strand). Cytogenetic location: 2q23.3.
Variant type: single nucleotide variant.
Coding change: c.20327A>G on transcript NM_001164508.2 (MANE Select); coding-DNA position 20327, A replaced by G.
Protein change: p.Gln6776Arg; replaces glutamine 6776 with arginine.
Molecular consequence: missense variant.
Genome position (GRCh38, 1-based): chr2:151,547,469, T>C on the plus strand (A>G on the coding strand, the complement: NEB is on the minus strand). VCF-style: chr2-151547469-T-C. GRCh37 (hg19) VCF-style: chr2-152403983-T-C.
Other names: c.20327A>G, p.Gln6776Arg (NM_001164507.2, NM_001271208.2); c.15224A>G, p.Gln5075Arg (NM_004543.5); short protein forms Q5075R, Q6776R.
Identifiers: ClinVar variation 1386137 (VCV001386137.5), dbSNP rs1377556613, ClinGen allele CA348782954.
Genomic context (GRCh38, chr2:151,547,469, plus strand): 5'-GACCCCTACGAGATGCTTACATCACTGGTGATGTCTCCCACATAGCGGCAATGGATCACT[T>C]GGGGTGTGTATGGCAGAGAGATCATGTGGCCCTGCATCTTGAAGAAGTCTGATTTGTAGA-3'
Protein context (NP_001157980.2, residues 6766-6786): GHMISLPYTP[Gln6776Arg]VIHCRYVGDI

ClinVar aggregate classification (germline): Uncertain significance (1 of 4 stars; one submission).

Conditions:
Nemaline myopathy 2 (NEM2). Also called: Nemaline myopathy 2, autosomal recessive. Identifiers: MedGen C1850569, MONDO:0009725, OMIM 256030.

Allele frequency attached by ClinVar (database versions not stated): gnomAD exomes 0.00001.
gnomAD v4.1: 8 of 1,607,756 alleles (0.0005%); highest among the groups gnomAD compares: Non-Finnish European, 0.00068%; no homozygotes.

Submission:

Labcorp Genetics (formerly Invitae), Labcorp
Classification: Uncertain significance for Nemaline myopathy 2. Last evaluated: 2021-08-20. Review status: criteria provided, single submitter. Criteria: Invitae Variant Classification Sherloc (09022015). Collection method: clinical testing. Allele origin: germline.
Comment: This sequence change replaces glutamine with arginine at codon 6776 of the NEB protein (p.Gln6776Arg). The glutamine residue is moderately conserved and there is a small physicochemical difference between glutamine and arginine. This variant is not present in population databases (ExAC no frequency). This variant has not been reported in the literature in individuals affected with NEB-related conditions. Algorithms developed to predict the effect of missense changes on protein structure and function are either unavailable or do not agree on the potential impact of this missense change (SIFT: "Deleterious"; PolyPhen-2: "Not Available"; Align-GVGD: "Class C0"). In summary, the available evidence is currently insufficient to determine the role of this variant in disease. Therefore, it has been classified as a Variant of Uncertain Significance.